The following is an entry in ClinVar:

ClinVar aggregate classification (germline): Conflicting classifications of pathogenicity. Review status: criteria provided, conflicting classifications (1 of 4 stars). 4 submissions from 4 submitters: Uncertain significance (1); Benign (2); Likely benign (1). Last evaluated 2025-11-23.

Conditions:
Microcephaly 5, primary, autosomal recessive (MCPH5). Also called: ASPM Primary Microcephaly. Identifiers: Orphanet 2512, MedGen C1837501, MONDO:0012106, OMIM 608716.

Allele frequency attached by ClinVar (database versions not stated): gnomAD exomes 0.00049 and 0.00194; gnomAD 0.00059 and 0.00087; TOPMed 0.00136; ExAC 0.00195; 1000 Genomes Project 30x 0.00609; 1000 Genomes Project 0.00679.
gnomAD v4.1: 854 of 1,612,538 alleles (0.053%); highest among the groups gnomAD compares: East Asian, 1.7%; 15 homozygotes.

Submissions (4):

Labcorp Genetics (formerly Invitae), Labcorp
Classification: Benign. Last evaluated: 2025-11-23. Review status: criteria provided, single submitter. Criteria: Invitae Variant Classification Sherloc (09022015). Collection method: clinical testing. Allele origin: germline.

GeneDx
Classification: Benign. Last evaluated: 2018-09-24. Review status: criteria provided, single submitter. Criteria: GeneDx Variant Classification Process June 2021. Collection method: clinical testing. Allele origin: germline. Affected: yes.

Illumina Laboratory Services, Illumina
Classification: Likely benign for Microcephaly 5, primary, autosomal recessive. Last evaluated: 2018-01-12. Review status: criteria provided, single submitter. Criteria: ICSL Variant Classification Criteria 13 December 2019. Collection method: clinical testing. Allele origin: germline.
Comment: This variant was observed in the ICSL laboratory as part of a predisposition screen in an ostensibly healthy population. It had not been previously curated by ICSL or reported in the Human Gene Mutation Database (HGMD: prior to June 1st, 2018), and was therefore a candidate for classification through an automated scoring system. Utilizing variant allele frequency, disease prevalence and penetrance estimates, and inheritance mode, an automated score was calculated to assess if this variant is too frequent to cause the disease. Based on the score and internal cut-off values, a variant classified as likely benign is not then subjected to further curation. The score for this variant resulted in a classification of likely benign for this disease.

Genetic Services Laboratory, University of Chicago
Classification: Uncertain significance for Microcephaly 5, primary, autosomal recessive. Last evaluated: 2013-02-08. Review status: criteria provided, single submitter. Criteria: ACMG Guidelines, 2007. Collection method: clinical testing. Allele origin: germline. Inheritance: Autosomal recessive inheritance.

NM_018136.5(ASPM):c.8449G>T (p.Ala2817Ser)

Gene: ASPM (assembly factor for spindle microtubules; minus strand). Cytogenetic location: 1q31.3.
Variant type: single nucleotide variant.
Coding change: c.8449G>T on transcript NM_018136.5 (MANE Select); coding-DNA position 8449, G replaced by T.
Protein change: p.Ala2817Ser; replaces alanine 2817 with serine.
Molecular consequence: missense variant. On other transcripts: intron variant (1).
Genome position (GRCh38, 1-based): chr1:197,100,802, C>A on the plus strand (G>T on the coding strand, the complement: ASPM is on the minus strand). VCF-style: chr1-197100802-C-A. GRCh37 (hg19) VCF-style: chr1-197069932-C-A.
Other names: c.4066-4638G>T (NM_001206846.2); short protein forms A2817S.
Identifiers: ClinVar variation 157892 (VCV000157892.21), dbSNP rs117963393, ClinGen allele CA271122.